The following is an entry in ClinVar:

ClinVar aggregate classification (germline): Uncertain significance (1 of 4 stars; one submission).

Conditions:
Alstrom syndrome (ALMS). Identifiers: Orphanet 64, MedGen C0268425, MONDO:0008763, OMIM 203800.

Submission:

Labcorp Genetics (formerly Invitae), Labcorp
Classification: Uncertain significance for Alstrom syndrome. Last evaluated: 2022-06-20. Review status: criteria provided, single submitter. Criteria: Invitae Variant Classification Sherloc (09022015). Collection method: clinical testing. Allele origin: germline.
Comment: This variant has not been reported in the literature in individuals affected with ALMS1-related conditions. In summary, the available evidence is currently insufficient to determine the role of this variant in disease. Therefore, it has been classified as a Variant of Uncertain Significance. Experimental studies and prediction algorithms are not available or were not evaluated, and the functional significance of this variant is currently unknown. This variant is present in population databases (rs746544731, gnomAD 0.003%). This variant, c.4926_4928del, results in the deletion of 1 amino acid(s) of the ALMS1 protein (p.Val1643del), but otherwise preserves the integrity of the reading frame.

NM_001378454.1(ALMS1):c.4923_4925del (p.Val1642del)

Gene: ALMS1 (ALMS1 centrosome and basal body associated protein; plus strand). Cytogenetic location: 2p13.1.
Variant type: Deletion.
Coding change: c.4923_4925del on transcript NM_001378454.1 (MANE Select); coding-DNA positions 4923 to 4925, 3 bases deleted (TGT; older notation c.4923_4925delTGT).
Protein change: p.Val1642del; deletes valine 1642.
Molecular consequence: inframe deletion.
Genome position (GRCh38, 1-based): chr2:73,451,450-73,451,452, TGT deleted; deleting any 3 consecutive bases within chr2:73,451,448-73,451,452 gives the same sequence; the c. name uses the placement nearest the transcript's 3' end. VCF-style (leftmost placement, unchanged base first): chr2-73451447-GGTT-G. GRCh37 (hg19) VCF-style: chr2-73678574-GGTT-G.
Other names: c.4926_4928del, p.Val1643del (NM_015120.4); short protein forms V1642del, V1643del.
Identifiers: ClinVar variation 1962851 (VCV001962851.3), dbSNP rs746544731, ClinGen allele CA1713788.